The following is an entry in ClinVar:

ClinVar aggregate classification (germline): Uncertain significance. Review status: criteria provided, multiple submitters, no conflicts (2 of 4 stars). 7 submissions from 7 submitters: Uncertain significance (7). Last evaluated 2026-04-04.

Conditions:
Nijmegen breakage syndrome-like disorder (NBSLD). Also called: MICROCEPHALY AND SPONTANEOUS CHROMOSOME INSTABILITY WITHOUT IMMUNODEFICIENCY; NBS-LIKE DISORDER; RAD50 DEFICIENCY. Identifiers: Orphanet 240760, MedGen C2751318, MONDO:0013118, OMIM 613078.
Hereditary cancer-predisposing syndrome. Also called: Hereditary Cancer Syndrome; Hereditary neoplastic syndrome; Neoplastic Syndromes, Hereditary; Tumor predisposition. Identifiers: Orphanet 140162, MedGen C0027672, MeSH D009386, MONDO:0015356.

Allele frequency attached by ClinVar (database versions not stated): gnomAD exomes 0.00004; TOPMed 0.00005; ExAC 0.00006.
gnomAD v4.1: 71 of 1,603,032 alleles (0.0044%); highest among the groups gnomAD compares: South Asian, 0.017%; no homozygotes.

Submissions (7):

GeneDx
Classification: Uncertain significance. Last evaluated: 2026-04-04. Review status: criteria provided, single submitter. Criteria: GeneDx Variant Classification Process June 2021. Collection method: clinical testing. Allele origin: germline.
Comment: In silico analysis supports that this missense variant has a deleterious effect on protein structure/function; This variant is associated with the following publications: (PMID: 33471991, 33134171, 31159747)

Labcorp Genetics (formerly Invitae), Labcorp
Classification: Uncertain significance for Hereditary cancer-predisposing syndrome. Last evaluated: 2025-11-11. Review status: criteria provided, single submitter. Criteria: Invitae Variant Classification Sherloc (09022015). Collection method: clinical testing. Allele origin: germline.
Comment: This sequence change replaces isoleucine, which is neutral and non-polar, with threonine, which is neutral and polar, at codon 94 of the RAD50 protein (p.Ile94Thr). This variant is present in population databases (rs768127412, gnomAD 0.02%). This missense change has been observed in individual(s) with personal or family history of breast and/or ovarian cancer (PMID: 31159747). ClinVar contains an entry for this variant (Variation ID: 185400). Invitae Evidence Modeling of protein sequence and biophysical properties (such as structural, functional, and spatial information, amino acid conservation, physicochemical variation, residue mobility, and thermodynamic stability) indicates that this missense variant is not expected to disrupt RAD50 protein function with a negative predictive value of 80%. In summary, the available evidence is currently insufficient to determine the role of this variant in disease. Therefore, it has been classified as a Variant of Uncertain Significance.

Baylor Genetics
Classification: Uncertain significance for Nijmegen breakage syndrome-like disorder. Last evaluated: 2023-09-05. Review status: criteria provided, single submitter. Criteria: ACMG Guidelines, 2015. Collection method: clinical testing. Allele origin: unknown.

Quest Diagnostics Nichols Institute San Juan Capistrano
Classification: Uncertain significance. Last evaluated: 2023-06-28. Review status: criteria provided, single submitter. Criteria: Quest Diagnostics criteria. Collection method: clinical testing. Allele origin: unknown.
Comment: In the published literature, the variant has been reported in an individual with a personal or family history of breast/ovarian cancer (PMID: 31159747 (2019), 33134171 (2020)). In a large scale breast cancer association study, the variant was observed in breast cancer cases as well as in control subjects (see LOVD and PMID: 33471991 (2021)). The frequency of this variant in the general population, 0.00016 (5/30608 chromosomes), is uninformative in assessment of its pathogenicity. Analysis of this variant using bioinformatics tools for the prediction of the effect of amino acid changes on protein structure and function yielded conflicting predictions that this variant is deleterious or benign. Based on the available information, we are unable to determine the clinical significance of this variant.

Ambry Genetics
Classification: Uncertain significance for Hereditary cancer-predisposing syndrome. Last evaluated: 2023-03-09. Review status: criteria provided, single submitter. Criteria: Ambry Variant Classification Scheme 2023. Collection method: clinical testing. Allele origin: germline.
Comment: The p.I94T variant (also known as c.281T>C), located in coding exon 3 of the RAD50 gene, results from a T to C substitution at nucleotide position 281. The isoleucine at codon 94 is replaced by threonine, an amino acid with similar properties. This alteration has also been reported in 1/1197 individuals from Greece, Romania, and Turkey undergoing evaluation for inherited cancer predisposition (Tsaousis GN et al. BMC Cancer, 2019 Jun;19:535). This amino acid position is poorly conserved in available vertebrate species. In addition, this alteration is predicted to be tolerated by in silico analysis. Since supporting evidence is limited at this time, the clinical significance of this alteration remains unclear.

Women's Health and Genetics/Laboratory Corporation of America, LabCorp
Classification: Uncertain significance. Last evaluated: 2020-08-13. Review status: criteria provided, single submitter. Criteria: LabCorp Variant Classification Summary - May 2015. Collection method: clinical testing. Allele origin: germline.
Comment: Variant summary: RAD50 c.281T>C (p.Ile94Thr) results in a non-conservative amino acid change located in the Rad50/SbcC-type AAA domain (IPR038729) of the encoded protein sequence. Three of five in-silico tools predict a benign effect of the variant on protein function. The variant allele was found at a frequency of 4.4e-05 in 251350 control chromosomes (gnomAD). This frequency is not higher than expected for a pathogenic variant in RAD50 causing Hereditary Breast And Ovarian Cancer Syndrome (4.4e-05 vs 6.3e-05), allowing no conclusion about variant significance. c.281T>C has been reported in the literature in one individual with personal of family history of breast and/or ovarian cancer (Tsaousis_2019). The report does not provide unequivocal conclusions about association of the variant with Hereditary Breast And Ovarian Cancer Syndrome. To our knowledge, no experimental evidence demonstrating an impact on protein function has been reported. Three ClinVar submitters (evaluation after 2014) cite the variant as uncertain significance. Based on the evidence outlined above, the variant was classified as uncertain significance.

GeneKor MSA
Classification: Uncertain significance for Hereditary cancer-predisposing syndrome. Last evaluated: 2018-08-01. Review status: criteria provided, single submitter. Criteria: ACMG Guidelines, 2015. Collection method: clinical testing. Allele origin: germline. Affected: yes.

Literature cited by the submitters: PubMed 31159747 (cited by 4 submitters); PubMed 33471991 (cited by Quest Diagnostics Nichols Institute San Juan Capistrano); PubMed 33134171 (cited by Quest Diagnostics Nichols Institute San Juan Capistrano and Ambry Genetics).

NM_005732.4(RAD50):c.281T>C (p.Ile94Thr)

Gene: RAD50 (RAD50 double strand break repair protein; plus strand). Cytogenetic location: 5q31.1.
Variant type: single nucleotide variant.
Coding change: c.281T>C on transcript NM_005732.4 (MANE Select); coding-DNA position 281, T replaced by C.
Protein change: p.Ile94Thr; replaces isoleucine 94 with threonine.
Molecular consequence: missense variant.
Genome position (GRCh38, 1-based): chr5:132,575,844, T>C. VCF-style: chr5-132575844-T-C. GRCh37 (hg19) VCF-style: chr5-131911536-T-C.
Other names: short protein forms I94T.
Identifiers: ClinVar variation 185400 (VCV000185400.18), dbSNP rs768127412, ClinGen allele CA191824.
Genomic context (GRCh38, chr5:132,575,844, plus strand): 5'-AAGAAACAGATGTGAGAGCCCAGATTCGTCTGCAATTTCGTGATGTCAATGGAGAACTTA[T>C]AGCTGTGCAAAGATCTATGGTGTGTACTCAGAAAAGCAAAAAGACAGAATTTAAAACTCT-3'
Protein context (NP_005723.2, residues 84-104): LQFRDVNGEL[Ile94Thr]AVQRSMVCTQ